The following is an entry in ClinVar:

ClinVar aggregate classification (germline): Uncertain significance. Review status: criteria provided, multiple submitters, no conflicts (2 of 4 stars). 3 submissions from 3 submitters: Uncertain significance (3). Last evaluated 2025-09-27.

Conditions:
Inborn genetic diseases. Identifiers: MedGen C0950123, MeSH D030342.
Ullrich congenital muscular dystrophy 2 (UCMD2). Identifiers: Orphanet 75840, MedGen C4225314, MONDO:0014654, OMIM 616470.
Bethlem myopathy 2 (BTHLM2). Identifiers: Orphanet 536516, Orphanet 610, MedGen C4225313, MONDO:0034022, OMIM 616471.

Allele frequency attached by ClinVar (database versions not stated): gnomAD exomes 0.00002 and 0.00001; gnomAD 0.00008 and 0.00009; ExAC 0.00001; TOPMed 0.00009.
gnomAD v4.1: 34 of 1,596,972 alleles (0.0021%); highest among the groups gnomAD compares: African/African-American, 0.024%; no homozygotes.

Submissions (3):

Labcorp Genetics (formerly Invitae), Labcorp
Classification: Uncertain significance for Bethlem myopathy 2; Ullrich congenital muscular dystrophy 2. Last evaluated: 2025-09-27. Review status: criteria provided, single submitter. Criteria: Invitae Variant Classification Sherloc (09022015). Collection method: clinical testing. Allele origin: germline.
Comment: This sequence change replaces lysine, which is basic and polar, with glutamic acid, which is acidic and polar, at codon 636 of the COL12A1 protein (p.Lys636Glu). The frequency data for this variant in the population databases is considered unreliable, as metrics indicate poor data quality at this position in the gnomAD database. This variant has not been reported in the literature in individuals affected with COL12A1-related conditions. ClinVar contains an entry for this variant (Variation ID: 1039924). Invitae Evidence Modeling of protein sequence and biophysical properties (such as structural, functional, and spatial information, amino acid conservation, physicochemical variation, residue mobility, and thermodynamic stability) indicates that this missense variant is not expected to disrupt COL12A1 protein function with a negative predictive value of 80%. In summary, the available evidence is currently insufficient to determine the role of this variant in disease. Therefore, it has been classified as a Variant of Uncertain Significance.

Ambry Genetics
Classification: Uncertain significance for Inborn genetic diseases. Last evaluated: 2025-03-08. Review status: criteria provided, single submitter. Criteria: Ambry Variant Classification Scheme 2023. Collection method: clinical testing. Allele origin: germline.

Revvity Omics, Revvity
Classification: Uncertain significance. Last evaluated: 2019-12-26. Review status: criteria provided, single submitter. Criteria: ACMG Guidelines, 2015. Collection method: clinical testing. Allele origin: germline.

NM_004370.6(COL12A1):c.1906A>G (p.Lys636Glu)

Gene: COL12A1 (collagen type XII alpha 1 chain; minus strand). Cytogenetic location: 6q13.
Variant type: single nucleotide variant.
Coding change: c.1906A>G on transcript NM_004370.6 (MANE Select); coding-DNA position 1906, A replaced by G.
Protein change: p.Lys636Glu; replaces lysine 636 with glutamic acid.
Molecular consequence: missense variant. On other transcripts: intron variant (1).
Genome position (GRCh38, 1-based): chr6:75,181,197, T>C on the plus strand (A>G on the coding strand, the complement: COL12A1 is on the minus strand). VCF-style: chr6-75181197-T-C. GRCh37 (hg19) VCF-style: chr6-75890913-T-C.
Other names: c.1906A>G (NM_004370.5); c.73+21523A>G (NM_080645.3); short protein forms K636E.
Identifiers: ClinVar variation 1039924 (VCV001039924.10), dbSNP rs754916465, ClinGen allele CA3894091.
Genomic context (GRCh38, chr6:75,181,197, plus strand): 5'-CAGCTGGAGACCAGTTGGTTTTGAAACCATAAGAAGTCACTTCTGAAAAACTAAGATCCT[T>C]TGGAGGGACGTAAGCTATTTAAAAAAAAAAAAAGACAGTTAAAAATGCTTGAATCTATAA-3'
Protein context (NP_004361.3, residues 626-646): AIKKKAYVPP[Lys636Glu]DLSFSEVTSY